The following is an entry in ClinVar:

NM_016366.3(CABP2):c.60C>A (p.Leu20=)

Gene: CABP2 (calcium binding protein 2; minus strand). Cytogenetic location: 11q13.2.
Variant type: single nucleotide variant.
Coding change: c.60C>A on transcript NM_016366.3 (MANE Select); coding-DNA position 60, C replaced by A.
Protein change: p.Leu20=; no amino-acid change (leucine 20 retained).
Molecular consequence: synonymous variant. On other transcripts: nonsense (1).
Genome position (GRCh38, 1-based): chr11:67,522,699, G>T on the plus strand (C>A on the coding strand, the complement: CABP2 is on the minus strand). VCF-style: chr11-67522699-G-T. GRCh37 (hg19) VCF-style: chr11-67290170-G-T.
Other names: c.74C>A (NM_001318496.1); c.74C>A, p.Ser25Ter (NM_001318496.2); short protein forms S25*.
Identifiers: ClinVar variation 2664943 (VCV002664943.4), dbSNP rs950724245, ClinGen allele CA224145829.

ClinVar aggregate classification (germline): VUS-low. Review status: criteria provided, single submitter (1 of 4 stars). 2 submissions from 2 submitters: VUS-low (1). 1 of the submissions does not count toward it. Last evaluated 2026-05-06.

Conditions:
CABP2-related disorder. Also called: CABP2-related condition.
Autosomal recessive nonsyndromic hearing loss 93. Also called: Deafness, autosomal recessive 93. Identifiers: Orphanet 90636, MedGen C3888355, MONDO:0013963, OMIM 614899.

gnomAD v4.1: 150 of 1,509,110 alleles (0.0099%); highest among the groups gnomAD compares: Non-Finnish European, 0.013%; no homozygotes.

Submissions (2):

Intergen Genetics and Rare Diseases Diagnosis Center
Classification: VUS-low for Autosomal recessive nonsyndromic hearing loss 93. Last evaluated: 2026-05-06. Review status: criteria provided, single submitter. Criteria: ACMG Guidelines, 2015. Collection method: clinical testing. Allele origin: germline. Inheritance: Autosomal recessive inheritance. Affected: no. Observed: 1 variant allele, 1 heterozygote.

PreventionGenetics, part of Exact Sciences
Classification: Likely benign for CABP2-related condition. Last evaluated: 2019-05-07. Review status: no assertion criteria provided. Collection method: clinical testing. Allele origin: germline. Not counted in ClinVar's aggregate classification.
Comment: This variant is classified as likely benign based on ACMG/AMP sequence variant interpretation guidelines (Richards et al. 2015 PMID: 25741868, with internal and published modifications).